The following is an entry in ClinVar:

NM_001673.5(ASNS):c.1148C>T (p.Pro383Leu)

Genes: ASNS (asparagine synthetase (glutamine-hydrolyzing); minus strand), CZ1P-ASNS (CZ1P-ASNS readthrough; minus strand). Cytogenetic location: 7q21.3.
Variant type: single nucleotide variant.
Coding change: c.1148C>T on transcript NM_001673.5 (MANE Select); coding-DNA position 1148, C replaced by T.
Protein change: p.Pro383Leu; replaces proline 383 with leucine.
Molecular consequence: missense variant. On other transcripts: non-coding transcript variant (1).
Genome position (GRCh38, 1-based): chr7:97,854,670, G>A on the plus strand (C>T on the coding strand, the complement: ASNS is on the minus strand). VCF-style: chr7-97854670-G-A. GRCh37 (hg19) VCF-style: chr7-97483982-G-A.
Other names: c.1085C>T, p.Pro362Leu (NM_001178075.2); c.899C>T, p.Pro300Leu (NM_001178076.2, NM_001178077.1); c.1148C>T, p.Pro383Leu (NM_001352496.2, NM_133436.3, NM_183356.4); short protein forms P362L, P300L, P383L.
Identifiers: ClinVar variation 2182637 (VCV002182637.1), dbSNP rs2484637222, ClinGen allele CA368265506.

ClinVar aggregate classification (germline): Uncertain significance (1 of 4 stars; one submission).

Submission:

Labcorp Genetics (formerly Invitae), Labcorp
Classification: Uncertain significance. Last evaluated: 2022-01-12. Review status: criteria provided, single submitter. Criteria: Invitae Variant Classification Sherloc (09022015). Collection method: clinical testing. Allele origin: germline.
Comment: This sequence change replaces proline, which is neutral and non-polar, with leucine, which is neutral and non-polar, at codon 383 of the ASNS protein (p.Pro383Leu). This variant is not present in population databases (gnomAD no frequency). This variant has not been reported in the literature in individuals affected with ASNS-related conditions. Advanced modeling of protein sequence and biophysical properties (such as structural, functional, and spatial information, amino acid conservation, physicochemical variation, residue mobility, and thermodynamic stability) performed at Invitae indicates that this missense variant is expected to disrupt ASNS protein function. In summary, the available evidence is currently insufficient to determine the role of this variant in disease. Therefore, it has been classified as a Variant of Uncertain Significance.